The following is an entry in ClinVar:

ClinVar aggregate classification (germline): Pathogenic. Review status: reviewed by expert panel (3 of 4 stars). 12 submissions from 12 submitters: Pathogenic (1). 11 of the submissions do not count toward it. Last evaluated 2016-09-08.

Conditions:
BRCA2-related disorder. Also called: BRCA2-related condition; BRCA2-related disorders. Identifiers: MedGen CN239275.
Hereditary cancer-predisposing syndrome. Also called: Tumor predisposition; Neoplastic Syndromes, Hereditary; Hereditary neoplastic syndrome; Hereditary Cancer Syndrome. Identifiers: Orphanet 140162, MedGen C0027672, MeSH D009386, MONDO:0015356.
Hereditary breast ovarian cancer syndrome. Also called: Hereditary breast and ovarian cancer; BRCA1- and BRCA2-Associated Hereditary Breast and Ovarian Cancer; Hereditary breast and/or ovarian cancer syndrome; Hereditary breast and ovarian cancer syndrome; Breast and ovarian cancer; Hereditary breast and ovarian cancer syndrome (HBOC). Identifiers: Orphanet 145, MedGen C0677776, MeSH D061325, MONDO:0003582. Disease mechanism: loss of function.
Breast-ovarian cancer, familial, susceptibility to, 2 (BROVCA2). Also called: BRCA2 Hereditary Breast and Ovarian Cancer. Identifiers: Orphanet 145, MedGen C2675520, MONDO:0012933, OMIM 612555. Disease mechanism: loss of function.

Submissions (12):

Evidence-based Network for the Interpretation of Germline Mutant Alleles (ENIGMA)
Classification: Pathogenic for Breast-ovarian cancer, familial, susceptibility to, 2. Last evaluated: 2016-09-08. Review status: reviewed by expert panel. Criteria: ENIGMA BRCA1/2 Classification Criteria (2015). Collection method: curation. Allele origin: germline.
Comment: Variant allele predicted to encode a truncated non-functional protein.

GeneDx
Classification: Pathogenic. Last evaluated: 2025-06-02. Review status: criteria provided, single submitter. Criteria: GeneDx Variant Classification Process June 2021. Collection method: clinical testing. Allele origin: germline. Affected: yes. Not counted in ClinVar's aggregate classification.
Comment: Observed in association with hereditary breast and ovarian cancer (PMID: 18627636, 18431501, 29339979); Nonsense variant predicted to result in protein truncation or nonsense mediated decay in a gene for which loss of function is a known mechanism of disease; Not observed at significant frequency in large population cohorts (gnomAD); Truncating variants in this gene are considered pathogenic by a well-established clinical consortium and/or database; Also known as 2864_2865del; This variant is associated with the following publications: (PMID: 18431501, 23929434, 29339979, 29884136, 27836010, 26187060, 18627636, 30702160, 29446198, 37528630, 35464868)

Ambry Genetics
Classification: Pathogenic for Hereditary cancer-predisposing syndrome. Last evaluated: 2024-12-17. Review status: criteria provided, single submitter. Criteria: Ambry Variant Classification Scheme 2023. Collection method: clinical testing. Allele origin: germline. Not counted in ClinVar's aggregate classification.
Comment: The c.2636_2637delCT pathogenic mutation, located in coding exon 10 of the BRCA2 gene, results from a deletion of two nucleotides at nucleotide positions 2636 to 2637, causing a translational frameshift with a predicted alternate stop codon (p.S879*). This alteration has been identified in individuals diagnosed with breast and/or ovarian cancer (Toh GT et al. PLoS One, 2008 Apr;3:e2024; Pajares B et al. BMC Cancer, 2018 Jun;18:647). This alteration was also identified in two individuals who also carried a BRCA1 mutation (c.4186-?_4357+?dup) (Rebbeck TR et al. Breast Cancer Res, 2016 11;18:112) and in a large, worldwide study of BRCA1/2 mutation positive families (Rebbeck TR et al. Hum Mutat, 2018 05;39:593-620). This variant is considered to be rare based on population cohorts in the Genome Aggregation Database (gnomAD). Of note, this alteration is also designated as c.2634delCT in published literature. In addition to the clinical data presented in the literature, this alteration is expected to result in loss of function by premature protein truncation or nonsense-mediated mRNA decay. As such, this alteration is interpreted as a disease-causing mutation.

Molecular Diagnostics Laboratory, Catalan Institute of Oncology
Classification: Pathogenic for Hereditary cancer-predisposing syndrome. Last evaluated: 2024-11-05. Review status: criteria provided, single submitter. Criteria: ClinGen BRCA1BRCA2 ACMG Specifications BRCA2 V1.0.0. Collection method: clinical testing. Allele origin: germline. Not counted in ClinVar's aggregate classification.
Comment: PVS1, PM5_PTC_Strong c.2636_2637del, located in exon11 of the BRCA2 gene, is a nonsense variant expected to result in loss of function by premature protein truncation and nonsense-mediated mRNA decay, p.(Ser879*) (PVS1, PM5_PTC_Strong). No effect is predicted on splicing by SpliceAI.It is not present in the population database gnomAD v2.1.1, non cancer dataset. To our knowledge, neither relevant clinical data nor well-stablished functional studies have been reported for this variant. In addition, the variant was also identified in the following databases: BRCA Exchange (PAT), ClinVar*** (9x pathogenic, one of this by VCEP), and LOVD (4x pathogenic, 1x likely pathogenic). Based on currently available information, the variant c.2636_2637del should be considered a pathogenic variant according to ClinGen-BRCA1 and BRCA2 Guidelines version 1.0.0

Blueprint Genetics
Classification: Pathogenic for BRCA2-related disorders. Last evaluated: 2024-09-14. Review status: criteria provided, single submitter. Criteria: ACMG Guidelines, 2015. Collection method: clinical testing. Allele origin: germline. Affected: yes. Observed: 3 variant alleles. Not counted in ClinVar's aggregate classification.

Quest Diagnostics Nichols Institute San Juan Capistrano
Classification: Pathogenic. Last evaluated: 2024-04-17. Review status: criteria provided, single submitter. Criteria: Quest Diagnostics criteria. Collection method: clinical testing. Allele origin: unknown. Not counted in ClinVar's aggregate classification.
Comment: The BRCA2 c.2636_2637del (p.Ser879*) variant alters the translational reading frame of the BRCA2 mRNA and causes the premature termination of BRCA2 protein synthesis. This variant has been reported in the published literature in individuals/families affected with breast and/or ovarian cancer (PMIDs: 18431501 (2008), 29339979 (2018), 29884136 (2018), 35464868 (2022)). It was also identified with a second variant (BRCA1 c.4186-?_4357+?dup) in one individual affected with breast cancer and one reportedly healthy individual, however, the information available for this co-occurrence is limited (PMID: 27836010 (2016)). This variant has not been reported in large, multi-ethnic general populations (Genome Aggregation Database). Based on the available information, this variant is classified as pathogenic.

Labcorp Genetics (formerly Invitae), Labcorp
Classification: Pathogenic for Hereditary breast ovarian cancer syndrome. Last evaluated: 2023-01-21. Review status: criteria provided, single submitter. Criteria: Invitae Variant Classification Sherloc (09022015). Collection method: clinical testing. Allele origin: germline. Not counted in ClinVar's aggregate classification.
Comment: This variant is also known as c.2634delCT. This premature translational stop signal has been observed in individual(s) with breast and/or ovarian cancer (PMID: 18431501, 26187060, 27836010, 29339979). This variant is not present in population databases (gnomAD no frequency). This sequence change creates a premature translational stop signal (p.Ser879*) in the BRCA2 gene. It is expected to result in an absent or disrupted protein product. Loss-of-function variants in BRCA2 are known to be pathogenic (PMID: 20104584). ClinVar contains an entry for this variant (Variation ID: 51318). For these reasons, this variant has been classified as Pathogenic.

National Health Laboratory Service, Universitas Academic Hospital and University of the Free State
Classification: Pathogenic for Hereditary breast ovarian cancer syndrome. Last evaluated: 2021-11-16. Review status: criteria provided, single submitter. Criteria: ACMG Guidelines, 2015. Collection method: clinical testing. Allele origin: germline. Affected: yes. Observed: 1 variant allele. Not counted in ClinVar's aggregate classification.

Genologica Medica
Classification: Pathogenic for Breast-ovarian cancer, familial, susceptibility to, 2. Last evaluated: 2017-01-01. Review status: criteria provided, single submitter. Criteria: ACMG Guidelines, 2015. Collection method: clinical testing. Allele origin: germline. Affected: yes. Not counted in ClinVar's aggregate classification.

Consortium of Investigators of Modifiers of BRCA1/2 (CIMBA), c/o University of Cambridge
Classification: Pathogenic for Breast-ovarian cancer, familial, susceptibility to, 2. Last evaluated: 2015-10-02. Review status: criteria provided, single submitter. Criteria: CIMBA Mutation Classification guidelines May 2016. Collection method: clinical testing. Allele origin: germline. Not counted in ClinVar's aggregate classification.

Department of Medical Genetics, Oslo University Hospital
Classification: Pathogenic for Breast-ovarian cancer, familial, susceptibility to, 2. Last evaluated: 2015-07-01. Review status: criteria provided, single submitter. Criteria: ACMG Guidelines, 2015. Collection method: clinical testing. Allele origin: germline. Affected: yes. Observed: 2 variant alleles. Not counted in ClinVar's aggregate classification.

Breast Cancer Information Core (BIC) (BRCA2)
Classification: Pathogenic for Breast-ovarian cancer, familial 2. Last evaluated: 2010-09-18. Review status: no assertion criteria provided. Collection method: clinical testing. Allele origin: germline. Affected: yes. Observed: 1 variant allele. Not counted in ClinVar's aggregate classification.

Literature cited by the submitters: PubMed 18431501 (cited by 3 submitters); PubMed 27836010 (cited by 3 submitters); PubMed 29446198 (cited by Ambry Genetics and Quest Diagnostics Nichols Institute San Juan Capistrano); PubMed 29884136 (cited by Ambry Genetics and Quest Diagnostics Nichols Institute San Juan Capistrano); PubMed 35464868 (cited by Quest Diagnostics Nichols Institute San Juan Capistrano); PubMed 29339979 (cited by Quest Diagnostics Nichols Institute San Juan Capistrano and Labcorp Genetics (formerly Invitae), Labcorp); PubMed 37528630 (cited by Quest Diagnostics Nichols Institute San Juan Capistrano); PubMed 26187060 (cited by Labcorp Genetics (formerly Invitae), Labcorp); PubMed 20104584 (cited by Labcorp Genetics (formerly Invitae), Labcorp); DOI 10.3389/fgene.2022.834265 (cited by National Health Laboratory Service, Universitas Academic Hospital and University of the Free State).

NM_000059.4(BRCA2):c.2636_2637del (p.Asp878_Ser879insTer)

Gene: BRCA2 (BRCA2 DNA repair associated; plus strand). Cytogenetic location: 13q13.1.
Variant type: Microsatellite.
Coding change: c.2636_2637del on transcript NM_000059.4 (MANE Select); coding-DNA positions 2636 to 2637, 2 bases deleted (CT; older notation c.2636_2637delCT).
Protein change: p.Asp878_Ser879insTer.
Molecular consequence: nonsense.
Genome position (GRCh38, 1-based): chr13:32,336,991-32,336,992, CT deleted; deleting any 2 consecutive bases within chr13:32,336,989-32,336,992 gives the same sequence; the c. name uses the placement nearest the transcript's 3' end. VCF-style (leftmost placement, unchanged base first): chr13-32336988-ACT-A. GRCh37 (hg19) VCF-style: chr13-32911125-ACT-A.
Other names: 2864delCT; NP_000050.3:p.Ser879Ter; c.2636_2637delCT (NM_000059.3).
Identifiers: ClinVar variation 51318 (VCV000051318.43), dbSNP rs276174826, ClinGen allele CA015907.
Genomic context (GRCh38, chr13:32,336,988, plus strand): 5'-GAGTAATCCAAAAAAATCAAGAAGAAACTACTTCAATTTCAAAAATAACTGTCAATCCAG[ACT>A]CTGAAGAACTTTTCTCAGACAATGAGAATAATTTTGTCTTCCAAGTAGCTAATGAAAGGA-3'